The following is an entry in ClinVar:

ClinVar aggregate classification (germline): Uncertain significance. Review status: criteria provided, multiple submitters, no conflicts (2 of 4 stars). 2 submissions from 2 submitters: Uncertain significance (2). Last evaluated 2023-01-30.

Conditions:
ZTTK syndrome (ZTTKS). Also called: ZTTK MULTIPLE CONGENITAL ANOMALIES-MENTAL RETARDATION SYNDROME; Zhu-Tokita-Takenouchi-Kim Syndrome. Identifiers: Orphanet 500150, MedGen C4310696, MONDO:0014936, OMIM 617140.

Allele frequency attached by ClinVar (database versions not stated): gnomAD 0.00001; gnomAD exomes 0.00001; TOPMed 0.00001.

Submissions (2):

Labcorp Genetics (formerly Invitae), Labcorp
Classification: Uncertain significance. Last evaluated: 2023-01-30. Review status: criteria provided, single submitter. Criteria: Invitae Variant Classification Sherloc (09022015). Collection method: clinical testing. Allele origin: germline.
Comment: This variant is present in population databases (no rsID available, gnomAD 0.003%). This sequence change replaces serine, which is neutral and polar, with leucine, which is neutral and non-polar, at codon 348 of the SON protein (p.Ser348Leu). This variant has not been reported in the literature in individuals affected with SON-related conditions. Algorithms developed to predict the effect of missense changes on protein structure and function output the following: SIFT: "Deleterious"; PolyPhen-2: "Benign"; Align-GVGD: "Class C0". The leucine amino acid residue is found in multiple mammalian species, which suggests that this missense change does not adversely affect protein function. In summary, the available evidence is currently insufficient to determine the role of this variant in disease. Therefore, it has been classified as a Variant of Uncertain Significance.

Revvity Omics, Revvity
Classification: Uncertain significance for ZTTK syndrome. Last evaluated: 2021-02-24. Review status: criteria provided, single submitter. Criteria: ACMG Guidelines, 2015. Collection method: clinical testing. Allele origin: germline.

NM_138927.4(SON):c.1043C>T (p.Ser348Leu)

Gene: SON (SON DNA and RNA binding protein; plus strand). Cytogenetic location: 21q22.11.
Variant type: single nucleotide variant.
Coding change: c.1043C>T on transcript NM_138927.4 (MANE Select); coding-DNA position 1043, C replaced by T.
Protein change: p.Ser348Leu; replaces serine 348 with leucine.
Molecular consequence: missense variant. On other transcripts: non-coding transcript variant (1), intron variant (1).
Genome position (GRCh38, 1-based): chr21:33,550,274, C>T. VCF-style: chr21-33550274-C-T. GRCh37 (hg19) VCF-style: chr21-34922580-C-T.
Other names: c.1043C>T (NM_032195.2); c.1043C>T, p.Ser348Leu (NM_001291411.2, NM_001412133.1, NM_032195.3 and 2 more transcripts); c.244+3895C>T (NM_001291412.3); short protein forms S348L.
Identifiers: ClinVar variation 1986601 (VCV001986601.7), dbSNP rs1312158543, ClinGen allele CA410153027.